The following is an entry in ClinVar:

ClinVar aggregate classification (germline): Uncertain significance. Review status: criteria provided, multiple submitters, no conflicts (2 of 4 stars). 2 submissions from 2 submitters: Uncertain significance (2). Last evaluated 2026-02-06.

Conditions:
Intellectual developmental disorder with autism and macrocephaly. Also called: Autism, susceptibility to, 18; CHD8-Related Neurodevelopmental Disorder with Overgrowth. Identifiers: Orphanet 642675, MedGen C3554373, MONDO:0014017, OMIM 615032.

Allele frequency attached by ClinVar (database versions not stated): gnomAD exomes below 0.00001; TOPMed below 0.00001; gnomAD 0.00001.
gnomAD v4.1: 6 of 1,611,044 alleles (0.00037%); highest among the groups gnomAD compares: Middle Eastern, 0.016%; no homozygotes.

Submissions (2):

Laboratorio de Genetica e Diagnostico Molecular, Hospital Israelita Albert Einstein
Classification: Uncertain significance for Intellectual developmental disorder with autism and macrocephaly. Last evaluated: 2026-02-06. Review status: criteria provided, single submitter. Criteria: ACMG Guidelines, 2015. Collection method: clinical testing. Allele origin: germline. Affected: yes.
Comment: ACMG classification criteria: PM2 supporting, PP2 supporting

Labcorp Genetics (formerly Invitae), Labcorp
Classification: Uncertain significance. Last evaluated: 2023-11-29. Review status: criteria provided, single submitter. Criteria: Invitae Variant Classification Sherloc (09022015). Collection method: clinical testing. Allele origin: germline.
Comment: This sequence change replaces asparagine, which is neutral and polar, with threonine, which is neutral and polar, at codon 1499 of the CHD8 protein (p.Asn1499Thr). This variant is not present in population databases (gnomAD no frequency). This variant has not been reported in the literature in individuals affected with CHD8-related conditions. Advanced modeling of protein sequence and biophysical properties (such as structural, functional, and spatial information, amino acid conservation, physicochemical variation, residue mobility, and thermodynamic stability) performed at Invitae indicates that this missense variant is not expected to disrupt CHD8 protein function with a negative predictive value of 80%. In summary, the available evidence is currently insufficient to determine the role of this variant in disease. Therefore, it has been classified as a Variant of Uncertain Significance.

NM_001170629.2(CHD8):c.4496A>C (p.Asn1499Thr)

Gene: CHD8 (chromodomain helicase DNA binding protein 8; minus strand). Cytogenetic location: 14q11.2.
Variant type: single nucleotide variant.
Coding change: c.4496A>C on transcript NM_001170629.2 (MANE Select); coding-DNA position 4496, A replaced by C.
Protein change: p.Asn1499Thr; replaces asparagine 1499 with threonine.
Molecular consequence: missense variant.
Genome position (GRCh38, 1-based): chr14:21,400,487, T>G on the plus strand (A>C on the coding strand, the complement: CHD8 is on the minus strand). VCF-style: chr14-21400487-T-G. GRCh37 (hg19) VCF-style: chr14-21868646-T-G.
Other names: c.3659A>C, p.Asn1220Thr (NM_020920.4); short protein forms N1220T, N1499T.
Identifiers: ClinVar variation 2875651 (VCV002875651.4), dbSNP rs1217289500, ClinGen allele CA388893718.